The following is an entry in ClinVar:

ClinVar aggregate classification (germline): Pathogenic (1 of 4 stars; one submission).

Submission:

Labcorp Genetics (formerly Invitae), Labcorp
Classification: Pathogenic. Last evaluated: 2021-04-29. Review status: criteria provided, single submitter. Criteria: Invitae Variant Classification Sherloc (09022015). Collection method: clinical testing. Allele origin: germline.
Comment: This variant has not been reported in the literature in individuals with NPHS1-related conditions. This variant is not present in population databases (ExAC no frequency). This sequence change creates a premature translational stop signal (p.Glu585Argfs*37) in the NPHS1 gene. It is expected to result in an absent or disrupted protein product. Loss-of-function variants in NPHS1 are known to be pathogenic (PMID: 11317351, 11854170, 12039988). For these reasons, this variant has been classified as Pathogenic.

Literature cited by the submitters: PubMed 11317351; PubMed 11854170; PubMed 12039988.

NM_004646.4(NPHS1):c.1753del (p.Glu585fs)

Gene: NPHS1 (NPHS1 adhesion molecule, nephrin; minus strand). Cytogenetic location: 19q13.12.
Variant type: Deletion.
Coding change: c.1753del on transcript NM_004646.4 (MANE Select); coding-DNA position 1753, one base deleted (G; older notation c.1753delG).
Protein change: p.Glu585fs; shifts the reading frame from glutamic acid 585.
Molecular consequence: frameshift variant.
Genome position (GRCh38, 1-based): chr19:35,845,673, C deleted on the plus strand (G on the coding strand, the reverse complement: NPHS1 is on the minus strand); the first of 4 consecutive C bases (chr19:35,845,673-35,845,676); deleting any one gives the same sequence. VCF-style (leftmost placement, unchanged base first): chr19-35845672-TC-T. GRCh37 (hg19) VCF-style: chr19-36336574-TC-T.
Other names: short protein forms E585fs.
Identifiers: ClinVar variation 1442289 (VCV001442289.6), dbSNP rs2146823645, ClinGen allele CA2573156278.